The following is an entry in ClinVar:

ClinVar aggregate classification (germline): Pathogenic. Review status: criteria provided, multiple submitters, no conflicts (2 of 4 stars). 3 submissions from 3 submitters: Pathogenic (3). Last evaluated 2025-12-15.

Conditions:
Cardiovascular phenotype. Identifiers: MedGen CN230736.
Hereditary cancer-predisposing syndrome. Also called: Hereditary Cancer Syndrome; Neoplastic Syndromes, Hereditary; Hereditary neoplastic syndrome; Tumor predisposition. Identifiers: Orphanet 140162, MedGen C0027672, MeSH D009386, MONDO:0015356.
Neurofibromatosis, type 1 (NF1). Also called: Peripheral type neurofibromatosis; NEUROFIBROMATOSIS, TYPE I, SOMATIC; Neurofibromatosis, type I; VON RECKLINGHAUSEN DISEASE. Identifiers: Orphanet 636, MedGen C0027831, MONDO:0018975, OMIM 162200. Disease mechanism: loss of function.

Submissions (3):

Labcorp Genetics (formerly Invitae), Labcorp
Classification: Pathogenic for Neurofibromatosis, type 1. Last evaluated: 2025-12-15. Review status: criteria provided, single submitter. Criteria: Invitae Variant Classification Sherloc (09022015). Collection method: clinical testing. Allele origin: germline.
Comment: This sequence change creates a premature translational stop signal (p.Val1736Leufs*8) in the NF1 gene. It is expected to result in an absent or disrupted protein product. Loss-of-function variants in NF1 are known to be pathogenic (PMID: 10712197, 23913538). This variant is not present in population databases (gnomAD no frequency). This variant has not been reported in the literature in individuals affected with NF1-related conditions. ClinVar contains an entry for this variant (Variation ID: 2133337). For these reasons, this variant has been classified as Pathogenic.

3billion
Classification: Pathogenic for Neurofibromatosis, type 1. Last evaluated: 2024-11-11. Review status: criteria provided, single submitter. Criteria: ACMG Guidelines, 2015. Collection method: clinical testing. Allele origin: germline. Affected: yes.
Comment: The variant is not observed in the gnomAD v4.1.0 dataset. Predicted Consequence/Location: Frameshift: predicted to result in a loss or disruption of normal protein function through nonsense-mediated decay (NMD) or protein truncation. Multiple pathogenic variants are reported downstream of the variant. The variant has been reported at least twice as pathogenic without evidence for the classification (ClinVar ID: VCV002133337). Therefore, this variant is classified as Pathogenic according to the recommendation of ACMG/AMP guideline.

Ambry Genetics
Classification: Pathogenic for Cardiovascular phenotype; Hereditary cancer-predisposing syndrome. Last evaluated: 2023-05-22. Review status: criteria provided, single submitter. Criteria: Ambry Variant Classification Scheme 2023. Collection method: clinical testing. Allele origin: germline.
Comment: The c.5202delT pathogenic mutation, located in coding exon 36 of the NF1 gene, results from a deletion of one nucleotide at nucleotide position 5202, causing a translational frameshift with a predicted alternate stop codon (p.V1736Lfs*8). This alteration is expected to result in loss of function by premature protein truncation or nonsense-mediated mRNA decay. As such, this alteration is interpreted as a disease-causing mutation.

Literature cited by the submitters: PubMed 10712197 (cited by Labcorp Genetics (formerly Invitae), Labcorp); PubMed 23913538 (cited by Labcorp Genetics (formerly Invitae), Labcorp).

NM_001042492.3(NF1):c.5265del (p.Val1757fs)

Gene: NF1 (neurofibromin 1; plus strand). Cytogenetic location: 17q11.2.
Variant type: Deletion.
Coding change: c.5265del on transcript NM_001042492.3 (MANE Select); coding-DNA position 5265, one base deleted (T; older notation c.5265delT).
Protein change: p.Val1757fs; shifts the reading frame from valine 1757.
Molecular consequence: frameshift variant.
Genome position (GRCh38, 1-based): chr17:31,326,249, T deleted; the last of 2 consecutive T bases (chr17:31,326,248-31,326,249); deleting either gives the same sequence. VCF-style (leftmost placement, unchanged base first): chr17-31326247-AT-A. GRCh37 (hg19) VCF-style: chr17-29653265-AT-A.
Other names: c.5202delT (NM_000267.3); c.5202delT, p.Val1736Leufs (NM_000267.4); short protein forms V1736fs, V1757fs.
Identifiers: ClinVar variation 2133337 (VCV002133337.6), dbSNP rs2151539112, ClinGen allele CA2580093063.